The following is an entry in ClinVar:

ClinVar aggregate classification (germline): Pathogenic (1 of 4 stars; one submission).

Conditions:
X-linked Emery-Dreifuss muscular dystrophy. Also called: Muscular dystrophy, tardive Emery-Dreifuss type, with contractures. Identifiers: Orphanet 261, Orphanet 98863, MedGen C0751337, MONDO:0010680.

Submission:

Labcorp Genetics (formerly Invitae), Labcorp
Classification: Pathogenic for X-linked Emery-Dreifuss muscular dystrophy. Last evaluated: 2017-12-29. Review status: criteria provided, single submitter. Criteria: Invitae Variant Classification Sherloc (09022015). Collection method: clinical testing. Allele origin: germline.
Comment: A different truncation (p.Trp226*) that lies downstream of this variant has been determined to be pathogenic (PMID: 8589715, 15967842). This suggests that deletion of this region of the EMD protein is causative of disease. For these reasons, this variant has been classified as Pathogenic. This variant has not been reported in the literature in individuals with EMD-related disease. This variant is not present in population databases (ExAC no frequency). This sequence change results in a premature translational stop signal in the EMD gene (p.Ser194Phefs*15). While this is not anticipated to result in nonsense mediated decay, it is expected to disrupt the last 61 amino acids of the EMD protein.

Literature cited by the submitters: PubMed 8589715; PubMed 15967842.

NM_000117.3(EMD):c.581_582del (p.Ser194fs)

Gene: EMD (emerin; plus strand). Cytogenetic location: Xq28.
Variant type: Deletion.
Coding change: c.581_582del on transcript NM_000117.3 (MANE Select); coding-DNA positions 581 to 582, 2 bases deleted (CA; older notation c.581_582delCA).
Protein change: p.Ser194fs; shifts the reading frame from serine 194.
Molecular consequence: frameshift variant.
Genome position (GRCh38, 1-based): chrX:154,381,013-154,381,014, CA deleted. VCF-style (leftmost placement, unchanged base first): chrX-154381012-TCA-T. GRCh37 (hg19) VCF-style: chrX-153609372-TCA-T.
Other names: c.581_582delCA (NM_000117.2); short protein forms S194fs.
Identifiers: ClinVar variation 531738 (VCV000531738.9), dbSNP rs1557182654, ClinGen allele CA658799916.